The following is an entry in ClinVar:

NM_002519.3(NPAT):c.2665G>A (p.Val889Met)

Gene: NPAT (nuclear protein, coactivator of histone transcription; minus strand). Cytogenetic location: 11q22.3.
Variant type: single nucleotide variant.
Coding change: c.2665G>A on transcript NM_002519.3 (MANE Select); coding-DNA position 2665, G replaced by A.
Protein change: p.Val889Met; replaces valine 889 with methionine.
Molecular consequence: missense variant.
Genome position (GRCh38, 1-based): chr11:108,172,319, C>T on the plus strand (G>A on the coding strand, the complement: NPAT is on the minus strand). VCF-style: chr11-108172319-C-T. GRCh37 (hg19) VCF-style: chr11-108043046-C-T.
Other names: c.2665G>A, p.Val889Met (NM_001321307.1); short protein forms V889M.
Identifiers: ClinVar variation 3407284 (VCV003407284.2).

ClinVar aggregate classification (germline): Uncertain significance. Review status: criteria provided, multiple submitters, no conflicts (2 of 4 stars). 2 submissions from 2 submitters: Uncertain significance (2). Last evaluated 2025-06-29.

gnomAD v4.1: 6 of 1,614,064 alleles (0.00037%); highest among the groups gnomAD compares: Non-Finnish European, 0.00051%; no homozygotes.

Submissions (2):

Labcorp Genetics (formerly Invitae), Labcorp
Classification: Uncertain significance. Last evaluated: 2025-06-29. Review status: criteria provided, single submitter. Criteria: Invitae Variant Classification Sherloc (09022015). Collection method: clinical testing. Allele origin: germline.
Comment: This sequence change replaces valine, which is neutral and non-polar, with methionine, which is neutral and non-polar, at codon 889 of the NPAT protein (p.Val889Met). This variant is present in population databases (no rsID available, gnomAD 0.007%). This variant has not been reported in the literature in individuals affected with NPAT-related conditions. ClinVar contains an entry for this variant (Variation ID: 3407284). An algorithm developed to predict the effect of missense changes on protein structure and function (PolyPhen-2) suggests that this variant is likely to be disruptive. In summary, the available evidence is currently insufficient to determine the role of this variant in disease. Therefore, it has been classified as a Variant of Uncertain Significance.

Ambry Genetics
Classification: Uncertain significance. Last evaluated: 2024-09-26. Review status: criteria provided, single submitter. Criteria: Ambry Variant Classification Scheme 2023. Collection method: clinical testing. Allele origin: germline.